The following is an entry in ClinVar:

ClinVar aggregate classification (germline): Likely benign. Review status: criteria provided, multiple submitters, no conflicts (2 of 4 stars). 3 submissions from 3 submitters: Likely benign (2). 1 of the submissions does not count toward it. Last evaluated 2025-05-07.

Conditions:
COL2A1-related disorder. Also called: COL2A1-related condition; COL2A1-related disorders.

Allele frequency attached by ClinVar (database versions not stated): gnomAD exomes 0.00001 and 0.00004; ExAC 0.00006; gnomAD 0.00011 and 0.00014; TOPMed 0.00012; ESP Exome Variant Server 0.00015.
gnomAD v4.1: 39 of 1,613,232 alleles (0.0024%); highest among the groups gnomAD compares: African/African-American, 0.029%; no homozygotes.

Submissions (3):

Labcorp Genetics (formerly Invitae), Labcorp
Classification: Likely benign. Last evaluated: 2025-05-07. Review status: criteria provided, single submitter. Criteria: Invitae Variant Classification Sherloc (09022015). Collection method: clinical testing. Allele origin: germline.

Blueprint Genetics
Classification: Likely benign. Last evaluated: 2024-04-15. Review status: criteria provided, single submitter. Criteria: ACMG Guidelines, 2015. Collection method: clinical testing. Allele origin: germline.

PreventionGenetics, part of Exact Sciences
Classification: Likely benign for COL2A1-related condition. Last evaluated: 2019-06-03. Review status: no assertion criteria provided. Collection method: clinical testing. Allele origin: germline. Not counted in ClinVar's aggregate classification.
Comment: This variant is classified as likely benign based on ACMG/AMP sequence variant interpretation guidelines (Richards et al. 2015 PMID: 25741868, with internal and published modifications).

NM_001844.5(COL2A1):c.960G>A (p.Pro320=)

Gene: COL2A1 (collagen type II alpha 1 chain; minus strand). Cytogenetic location: 12q13.11.
Variant type: single nucleotide variant.
Coding change: c.960G>A on transcript NM_001844.5 (MANE Select); coding-DNA position 960, G replaced by A.
Protein change: p.Pro320=; no amino-acid change (proline 320 retained).
Molecular consequence: synonymous variant.
Genome position (GRCh38, 1-based): chr12:47,993,467, C>T on the plus strand (G>A on the coding strand, the complement: COL2A1 is on the minus strand). VCF-style: chr12-47993467-C-T. GRCh37 (hg19) VCF-style: chr12-48387250-C-T.
Other names: c.753G>A, p.Pro251= (NM_033150.3); c.960G>A (NM_001844.4).
Identifiers: ClinVar variation 1124585 (VCV001124585.12), dbSNP rs138806868, ClinGen allele CA6535694.
Genomic context (GRCh38, chr12:47,993,467, plus strand): 5'-GATAGTCTGAAGAGTCTTTGATAAACCTTCCTGGAGGGTGTCCATACTTACCATTGGGCC[C>T]GGAGATCCGTTCTCACCCGGGGAACCACTCTCACCCTGGAAAAATGATGCACAAGGTCAG-3'
Protein context (NP_001835.3, residues 310-330): ESGSPGENGS[Pro320=]GPMGPRGLPG